The following is an entry in ClinVar:

NM_001001520.3(HDGFL2):c.1685A>G (p.Asn562Ser)

Gene: HDGFL2 (HDGF like 2; plus strand). Cytogenetic location: 19p13.3.
Variant type: single nucleotide variant.
Coding change: c.1685A>G on transcript NM_001001520.3 (MANE Select); coding-DNA position 1685, A replaced by G.
Protein change: p.Asn562Ser; replaces asparagine 562 with serine.
Molecular consequence: missense variant.
Genome position (GRCh38, 1-based): chr19:4,499,600, A>G. VCF-style: chr19-4499600-A-G. GRCh37 (hg19) VCF-style: chr19-4499597-A-G.
Other names: NC_000019.9:g.4499597A>G; c.1757A>G, p.Asn586Ser (NM_001348169.2); c.1685A>G, p.Asn562Ser (NM_032631.4); short protein forms N562S, N586S.
Identifiers: ClinVar variation 3024805 (VCV003024805.23), dbSNP rs180870155, ClinGen allele CA9099224.

ClinVar aggregate classification (germline): Likely benign (1 of 4 stars; one submission).

Allele frequency attached by ClinVar (database versions not stated): 1000 Genomes Project 30x 0.00234; 1000 Genomes Project 0.00240; gnomAD 0.00305; TOPMed 0.00355; ESP Exome Variant Server 0.00380; ExAC 0.00390; gnomAD exomes 0.00410.

Submissions 1 to 34 of 52:

CeGaT Center for Human Genetics Tuebingen
Classification: Likely benign. Last evaluated: 2024-01-01. Review status: criteria provided, single submitter. Criteria: CeGaT Center For Human Genetics Tuebingen Variant Classification Criteria Version 2. Collection method: clinical testing. Allele origin: germline. Affected: yes. Observed: 1 variant allele.
Comment: HDGFL2: BP4

Dr. Peter K. Rogan Lab, Western University
No classification provided (evidence only). Condition: Clear cell carcinoma of kidney. Review status: no classification provided. Collection method: in vitro. Allele origin: not applicable. Functional consequence: retained intron. Not counted in ClinVar's aggregate classification.

Dr. Peter K. Rogan Lab, Western University
No classification provided (evidence only). Condition: Clear cell carcinoma of kidney. Review status: no classification provided. Collection method: in vitro. Allele origin: not applicable. Functional consequence: retained intron. Not counted in ClinVar's aggregate classification.

Dr. Peter K. Rogan Lab, Western University
No classification provided (evidence only). Condition: Lung cancer. Review status: no classification provided. Collection method: in vitro. Allele origin: not applicable. Functional consequence: retained intron. Not counted in ClinVar's aggregate classification.

Dr. Peter K. Rogan Lab, Western University
No classification provided (evidence only). Condition: Lung cancer. Review status: no classification provided. Collection method: in vitro. Allele origin: not applicable. Functional consequence: retained intron. Not counted in ClinVar's aggregate classification.

Dr. Peter K. Rogan Lab, Western University
No classification provided (evidence only). Condition: Lung cancer. Review status: no classification provided. Collection method: in vitro. Allele origin: not applicable. Functional consequence: retained intron. Not counted in ClinVar's aggregate classification.

Dr. Peter K. Rogan Lab, Western University
No classification provided (evidence only). Condition: Lung cancer. Review status: no classification provided. Collection method: in vitro. Allele origin: not applicable. Functional consequence: retained intron. Not counted in ClinVar's aggregate classification.

Dr. Peter K. Rogan Lab, Western University
No classification provided (evidence only). Condition: Lung cancer. Review status: no classification provided. Collection method: in vitro. Allele origin: not applicable. Functional consequence: retained intron. Not counted in ClinVar's aggregate classification.

Dr. Peter K. Rogan Lab, Western University
No classification provided (evidence only). Condition: Lung cancer. Review status: no classification provided. Collection method: in vitro. Allele origin: not applicable. Functional consequence: retained intron. Not counted in ClinVar's aggregate classification.

Dr. Peter K. Rogan Lab, Western University
No classification provided (evidence only). Condition: Melanoma. Review status: no classification provided. Collection method: in vitro. Allele origin: not applicable. Functional consequence: retained intron. Not counted in ClinVar's aggregate classification.

Dr. Peter K. Rogan Lab, Western University
No classification provided (evidence only). Condition: Familial cancer of breast. Review status: no classification provided. Collection method: in vitro. Allele origin: not applicable. Functional consequence: retained intron. Not counted in ClinVar's aggregate classification.

Dr. Peter K. Rogan Lab, Western University
No classification provided (evidence only). Condition: Familial cancer of breast. Review status: no classification provided. Collection method: in vitro. Allele origin: not applicable. Functional consequence: retained intron. Not counted in ClinVar's aggregate classification.

Dr. Peter K. Rogan Lab, Western University
No classification provided (evidence only). Condition: Familial cancer of breast. Review status: no classification provided. Collection method: in vitro. Allele origin: not applicable. Functional consequence: retained intron. Not counted in ClinVar's aggregate classification.

Dr. Peter K. Rogan Lab, Western University
No classification provided (evidence only). Condition: Familial cancer of breast. Review status: no classification provided. Collection method: in vitro. Allele origin: not applicable. Functional consequence: retained intron. Not counted in ClinVar's aggregate classification.

Dr. Peter K. Rogan Lab, Western University
No classification provided (evidence only). Condition: Familial cancer of breast. Review status: no classification provided. Collection method: in vitro. Allele origin: not applicable. Functional consequence: retained intron. Not counted in ClinVar's aggregate classification.

Dr. Peter K. Rogan Lab, Western University
No classification provided (evidence only). Condition: Familial cancer of breast. Review status: no classification provided. Collection method: in vitro. Allele origin: not applicable. Functional consequence: retained intron. Not counted in ClinVar's aggregate classification.

Dr. Peter K. Rogan Lab, Western University
No classification provided (evidence only). Condition: Familial cancer of breast. Review status: no classification provided. Collection method: in vitro. Allele origin: not applicable. Functional consequence: retained intron. Not counted in ClinVar's aggregate classification.

Dr. Peter K. Rogan Lab, Western University
No classification provided (evidence only). Condition: Familial cancer of breast. Review status: no classification provided. Collection method: in vitro. Allele origin: not applicable. Functional consequence: retained intron. Not counted in ClinVar's aggregate classification.

Dr. Peter K. Rogan Lab, Western University
No classification provided (evidence only). Condition: Familial cancer of breast. Review status: no classification provided. Collection method: in vitro. Allele origin: not applicable. Functional consequence: retained intron. Not counted in ClinVar's aggregate classification.

Dr. Peter K. Rogan Lab, Western University
No classification provided (evidence only). Condition: Familial cancer of breast. Review status: no classification provided. Collection method: in vitro. Allele origin: not applicable. Functional consequence: retained intron. Not counted in ClinVar's aggregate classification.

Dr. Peter K. Rogan Lab, Western University
No classification provided (evidence only). Condition: Familial cancer of breast. Review status: no classification provided. Collection method: in vitro. Allele origin: not applicable. Functional consequence: retained intron. Not counted in ClinVar's aggregate classification.

Dr. Peter K. Rogan Lab, Western University
No classification provided (evidence only). Condition: Colon adenocarcinoma. Review status: no classification provided. Collection method: in vitro. Allele origin: not applicable. Functional consequence: retained intron. Not counted in ClinVar's aggregate classification.

Dr. Peter K. Rogan Lab, Western University
No classification provided (evidence only). Condition: Colon adenocarcinoma. Review status: no classification provided. Collection method: in vitro. Allele origin: not applicable. Functional consequence: retained intron. Not counted in ClinVar's aggregate classification.

Dr. Peter K. Rogan Lab, Western University
No classification provided (evidence only). Condition: Colon adenocarcinoma. Review status: no classification provided. Collection method: in vitro. Allele origin: not applicable. Functional consequence: retained intron. Not counted in ClinVar's aggregate classification.

Dr. Peter K. Rogan Lab, Western University
No classification provided (evidence only). Condition: Colorectal cancer. Review status: no classification provided. Collection method: in vitro. Allele origin: not applicable. Functional consequence: retained intron. Not counted in ClinVar's aggregate classification.

Dr. Peter K. Rogan Lab, Western University
No classification provided (evidence only). Condition: Uterine corpus endometrial carcinoma. Review status: no classification provided. Collection method: in vitro. Allele origin: not applicable. Functional consequence: retained intron. Not counted in ClinVar's aggregate classification.

Dr. Peter K. Rogan Lab, Western University
No classification provided (evidence only). Condition: Cervical cancer. Review status: no classification provided. Collection method: in vitro. Allele origin: not applicable. Functional consequence: retained intron. Not counted in ClinVar's aggregate classification.

Dr. Peter K. Rogan Lab, Western University
No classification provided (evidence only). Condition: Cervical cancer. Review status: no classification provided. Collection method: in vitro. Allele origin: not applicable. Functional consequence: retained intron. Not counted in ClinVar's aggregate classification.

Dr. Peter K. Rogan Lab, Western University
No classification provided (evidence only). Condition: Sarcoma. Review status: no classification provided. Collection method: in vitro. Allele origin: not applicable. Functional consequence: retained intron. Not counted in ClinVar's aggregate classification.

Dr. Peter K. Rogan Lab, Western University
No classification provided (evidence only). Condition: Sarcoma. Review status: no classification provided. Collection method: in vitro. Allele origin: not applicable. Functional consequence: retained intron. Not counted in ClinVar's aggregate classification.

Dr. Peter K. Rogan Lab, Western University
No classification provided (evidence only). Condition: Sarcoma. Review status: no classification provided. Collection method: in vitro. Allele origin: not applicable. Functional consequence: retained intron. Not counted in ClinVar's aggregate classification.

Dr. Peter K. Rogan Lab, Western University
No classification provided (evidence only). Condition: Malignant lymphoma, large B-cell, diffuse. Review status: no classification provided. Collection method: in vitro. Allele origin: not applicable. Functional consequence: retained intron. Not counted in ClinVar's aggregate classification.

Dr. Peter K. Rogan Lab, Western University
No classification provided (evidence only). Condition: Hepatocellular carcinoma. Review status: no classification provided. Collection method: in vitro. Allele origin: not applicable. Functional consequence: retained intron. Not counted in ClinVar's aggregate classification.

Dr. Peter K. Rogan Lab, Western University
No classification provided (evidence only). Condition: Hepatocellular carcinoma. Review status: no classification provided. Collection method: in vitro. Allele origin: not applicable. Functional consequence: retained intron. Not counted in ClinVar's aggregate classification.